The following is an entry in ClinVar:

ClinVar aggregate classification (germline): Uncertain significance (1 of 4 stars; one submission).

Conditions:
Bloom syndrome (BLM). Also called: Bloom-Torre-Machacek syndrome. Identifiers: Orphanet 125, MedGen C0005859, MONDO:0008876, OMIM 210900.

Submission:

Labcorp Genetics (formerly Invitae), Labcorp
Classification: Uncertain significance for Bloom syndrome. Last evaluated: 2023-04-12. Review status: criteria provided, single submitter. Criteria: Invitae Variant Classification Sherloc (09022015). Collection method: clinical testing. Allele origin: germline.
Comment: This sequence change replaces isoleucine, which is neutral and non-polar, with threonine, which is neutral and polar, at codon 687 of the BLM protein (p.Ile687Thr). This variant is not present in population databases (gnomAD no frequency). This variant has not been reported in the literature in individuals affected with BLM-related conditions. Advanced modeling of protein sequence and biophysical properties (such as structural, functional, and spatial information, amino acid conservation, physicochemical variation, residue mobility, and thermodynamic stability) performed at Invitae indicates that this missense variant is expected to disrupt BLM protein function. In summary, the available evidence is currently insufficient to determine the role of this variant in disease. Therefore, it has been classified as a Variant of Uncertain Significance.

NM_000057.4(BLM):c.2060T>C (p.Ile687Thr)

Gene: BLM (BLM RecQ like helicase; plus strand). Cytogenetic location: 15q26.1.
Variant type: single nucleotide variant.
Coding change: c.2060T>C on transcript NM_000057.4 (MANE Select); coding-DNA position 2060, T replaced by C.
Protein change: p.Ile687Thr; replaces isoleucine 687 with threonine.
Molecular consequence: missense variant.
Genome position (GRCh38, 1-based): chr15:90,763,143, T>C. VCF-style: chr15-90763143-T-C. GRCh37 (hg19) VCF-style: chr15-91306373-T-C.
Other names: c.2060T>C, p.Ile687Thr (NM_001287246.2, NM_001287247.2); c.935T>C, p.Ile312Thr (NM_001287248.2); short protein forms I687T, I312T.
Identifiers: ClinVar variation 2855336 (VCV002855336.3), dbSNP rs2505435361, ClinGen allele CA393844465.